The following is an entry in ClinVar:

NM_000051.4(ATM):c.2839-18dup

Gene: ATM (ATM serine/threonine kinase; plus strand). Cytogenetic location: 11q22.3.
Variant type: Duplication.
Coding change: c.2839-18dup on transcript NM_000051.4 (MANE Select); 18 bases into the intron before coding-DNA position 2839, one base duplicated (T; older notation c.2839-18dupT).
Molecular consequence: intron variant.
Genome position (GRCh38, 1-based): chr11:108,271,046, T duplicated; the last of 7 consecutive T bases (chr11:108,271,040-108,271,046); duplicating any one gives the same sequence. VCF-style (leftmost placement, unchanged base first): chr11-108271039-A-AT. GRCh37 (hg19) VCF-style: chr11-108141766-A-AT.
Other names: c.2839-18_2839-17insT (NM_000051.3); c.2839-18dup (NM_001351834.2); c.2839-18dupT (NM_000051.3).
Identifiers: ClinVar variation 181854 (VCV000181854.4), dbSNP rs730881287, ClinGen allele CA297996.

ClinVar aggregate classification (germline): Benign. Review status: criteria provided, multiple submitters, no conflicts (2 of 4 stars). 3 submissions from 3 submitters: Benign (2). 1 of the submissions does not count toward it. Last evaluated 2025-03-06.

Conditions:
Hereditary cancer-predisposing syndrome. Also called: Tumor predisposition; Hereditary Cancer Syndrome; Hereditary neoplastic syndrome; Neoplastic Syndromes, Hereditary. Identifiers: Orphanet 140162, MedGen C0027672, MeSH D009386, MONDO:0015356.
Familial cancer of breast. Also called: BREAST CANCER, FAMILIAL; hereditary breast carcinoma; Hereditary breast cancer. Identifiers: Orphanet 227535, MedGen C0346153, MONDO:0016419, OMIM 114480. Disease mechanism: loss of function.
Ataxia-telangiectasia syndrome (AT). Also called: LOUIS-BAR SYNDROME; Cerebello-oculocutaneous telangiectasia; Immunodeficiency with ataxia telangiectasia; ATAXIA-TELANGIECTASIA, COMPLEMENTATION GROUP A; ATAXIA-TELANGIECTASIA, FRESNO VARIANT; Ataxia-telangiectasia. Identifiers: Orphanet 100, MedGen C0004135, MONDO:0008840, OMIM 208900.

Submissions (3):

Myriad Genetics, Inc.
Classification: Benign for Familial cancer of breast. Last evaluated: 2025-03-06. Review status: criteria provided, single submitter. Criteria: Myriad Autosomal Dominant, Autosomal Recessive and X-Linked Classification Criteria (2023). Collection method: clinical testing. Allele origin: unknown.
Comment: This variant is considered benign. This variant is intronic and is not expected to impact mRNA splicing.

GeneDx
Classification: Benign for Neoplastic Syndromes, Hereditary. Last evaluated: 2014-09-11. Review status: criteria provided, single submitter. Criteria: GeneDx Variant Classification (06012015). Collection method: clinical testing. Allele origin: germline. Affected: yes.
Comment: The variant is found in BR-OV-HEREDIC panel(s).

Counsyl
Classification: Likely benign for Ataxia-telangiectasia syndrome. Last evaluated: 2017-03-14. Review status: no assertion criteria provided. Collection method: clinical testing. Allele origin: unknown. Not counted in ClinVar's aggregate classification.